The following is an entry in ClinVar:

NM_005368.3(MB):c.15C>T (p.Asp5=)

Gene: MB (myoglobin; minus strand). Cytogenetic location: 22q12.3.
Variant type: single nucleotide variant.
Coding change: c.15C>T on transcript NM_005368.3 (MANE Select); coding-DNA position 15, C replaced by T.
Protein change: p.Asp5=; no amino-acid change (aspartic acid 5 retained).
Molecular consequence: synonymous variant. On other transcripts: intron variant (2).
Genome position (GRCh38, 1-based): chr22:35,617,243, G>A on the plus strand (C>T on the coding strand, the complement: MB is on the minus strand). VCF-style: chr22-35617243-G-A. GRCh37 (hg19) VCF-style: chr22-36013290-G-A.
Other names: c.15C>T, p.Asp5= (NM_001362846.2, NM_001382809.1, NM_001382810.1 and 3 more transcripts); c.-71+5948C>T (NM_001382813.1); c.-71+5235C>T (NM_001382812.1).
Identifiers: ClinVar variation 5041195 (VCV005041195.1).

ClinVar aggregate classification (germline): Likely benign (1 of 4 stars; one submission).

gnomAD v4.1: 138 of 1,613,994 alleles (0.0086%); highest among the groups gnomAD compares: East Asian, 0.018%; no homozygotes.

Submission:

CeGaT Center for Human Genetics Tuebingen
Classification: Likely benign. Last evaluated: 2026-09-01. Review status: criteria provided, single submitter. Criteria: CeGaT Center For Human Genetics Tuebingen Variant Classification Criteria Version 2. Collection method: clinical testing. Allele origin: germline. Affected: yes. Observed: 1 variant allele.
Comment: MB: BP4, BP7